The following is an entry in ClinVar:

ClinVar aggregate classification (germline): Uncertain significance. Review status: criteria provided, multiple submitters, no conflicts (2 of 4 stars). 2 submissions from 2 submitters: Uncertain significance (2). Last evaluated 2025-05-06.

Conditions:
Adams-Oliver syndrome 5 (AOS5). Identifiers: Orphanet 974, MedGen C4014970, MONDO:0014459, OMIM 616028.
Familial thoracic aortic aneurysm and aortic dissection (TAAD). Also called: Thoracic aortic aneurysms and dissections. Identifiers: Orphanet 91387, MedGen C4707243, MONDO:0019625.

Submissions (2):

Ambry Genetics
Classification: Uncertain significance for Familial thoracic aortic aneurysm and aortic dissection. Last evaluated: 2025-05-06. Review status: criteria provided, single submitter. Criteria: Ambry Variant Classification Scheme 2023. Collection method: clinical testing. Allele origin: germline.
Comment: The p.S2357C variant (also known as c.7069A>T), located in coding exon 34 of the NOTCH1 gene, results from an A to T substitution at nucleotide position 7069. The serine at codon 2357 is replaced by cysteine, an amino acid with dissimilar properties. This amino acid position is conserved. In addition, this alteration is predicted to be tolerated by in silico analysis. Based on the available evidence, the clinical significance of this variant remains unclear.

Labcorp Genetics (formerly Invitae), Labcorp
Classification: Uncertain significance for Adams-Oliver syndrome 5. Last evaluated: 2023-11-08. Review status: criteria provided, single submitter. Criteria: Invitae Variant Classification Sherloc (09022015). Collection method: clinical testing. Allele origin: germline.
Comment: This sequence change replaces serine, which is neutral and polar, with cysteine, which is neutral and slightly polar, at codon 2357 of the NOTCH1 protein (p.Ser2357Cys). This variant is not present in population databases (gnomAD no frequency). This variant has not been reported in the literature in individuals affected with NOTCH1-related conditions. Advanced modeling of protein sequence and biophysical properties (such as structural, functional, and spatial information, amino acid conservation, physicochemical variation, residue mobility, and thermodynamic stability) performed at Invitae indicates that this missense variant is not expected to disrupt NOTCH1 protein function with a negative predictive value of 95%. In summary, the available evidence is currently insufficient to determine the role of this variant in disease. Therefore, it has been classified as a Variant of Uncertain Significance.

NM_017617.5(NOTCH1):c.7069A>T (p.Ser2357Cys)

Gene: NOTCH1 (notch receptor 1; minus strand). Cytogenetic location: 9q34.3.
Variant type: single nucleotide variant.
Coding change: c.7069A>T on transcript NM_017617.5 (MANE Select); coding-DNA position 7069, A replaced by T.
Protein change: p.Ser2357Cys; replaces serine 2357 with cysteine.
Molecular consequence: missense variant.
Genome position (GRCh38, 1-based): chr9:136,496,670, T>A on the plus strand (A>T on the coding strand, the complement: NOTCH1 is on the minus strand). VCF-style: chr9-136496670-T-A. GRCh37 (hg19) VCF-style: chr9-139391122-T-A.
Other names: c.7069A>T (NM_017617.3); short protein forms S2357C.
Identifiers: ClinVar variation 2737761 (VCV002737761.4), dbSNP rs2540421166, ClinGen allele CA375628979.